The following is an entry in ClinVar:

ClinVar aggregate classification (germline): Likely benign. Review status: criteria provided, multiple submitters, no conflicts (2 of 4 stars). 2 submissions from 2 submitters: Likely benign (2). Last evaluated 2025-02-01.

Allele frequency attached by ClinVar (database versions not stated): gnomAD 0.00001; gnomAD exomes 0.00001; TOPMed 0.00001.
gnomAD v4.1: 11 of 1,613,982 alleles (0.00068%); highest among the groups gnomAD compares: Middle Eastern, 0.033%; no homozygotes.

Submissions (2):

CeGaT Center for Human Genetics Tuebingen
Classification: Likely benign. Last evaluated: 2025-02-01. Review status: criteria provided, single submitter. Criteria: CeGaT Center For Human Genetics Tuebingen Variant Classification Criteria Version 2. Collection method: clinical testing. Allele origin: germline. Affected: yes. Observed: 2 variant alleles.
Comment: KMT2A: BP4, BP7

Labcorp Genetics (formerly Invitae), Labcorp
Classification: Likely benign. Last evaluated: 2024-10-22. Review status: criteria provided, single submitter. Criteria: Invitae Variant Classification Sherloc (09022015). Collection method: clinical testing. Allele origin: germline.

NM_001197104.2(KMT2A):c.10326C>T (p.Ala3442=)

Gene: KMT2A (lysine methyltransferase 2A; plus strand). Cytogenetic location: 11q23.3.
Variant type: single nucleotide variant.
Coding change: c.10326C>T on transcript NM_001197104.2 (MANE Select); coding-DNA position 10326, C replaced by T.
Protein change: p.Ala3442=; no amino-acid change (alanine 3442 retained).
Molecular consequence: synonymous variant.
Genome position (GRCh38, 1-based): chr11:118,506,218, C>T. VCF-style: chr11-118506218-C-T. GRCh37 (hg19) VCF-style: chr11-118376933-C-T.
Other names: c.10317C>T, p.Ala3439= (NM_005933.4).
Identifiers: ClinVar variation 1670381 (VCV001670381.32), dbSNP rs1020726478, ClinGen allele CA229530296.